The following is an entry in ClinVar:

ClinVar aggregate classification (germline): Uncertain significance (1 of 4 stars; one submission).

Conditions:
CACNA2D3-related disorder. Also called: CACNA2D3-related condition.

Submission:

PreventionGenetics, part of Exact Sciences
Classification: Uncertain significance for CACNA2D3-related condition. Last evaluated: 2023-03-03. Review status: criteria provided, single submitter. Criteria: ACMG Guidelines, 2015. Collection method: clinical testing. Allele origin: germline.
Comment: The CACNA2D3 c.1442T>A variant is predicted to result in the amino acid substitution p.Met481Lys. To our knowledge, this variant has not been reported in the literature or in a large population database, indicating this variant is rare. At this time, the clinical significance of this variant is uncertain due to the absence of conclusive functional and genetic evidence.

NM_018398.3(CACNA2D3):c.1442T>A (p.Met481Lys)

Gene: CACNA2D3 (calcium voltage-gated channel auxiliary subunit alpha2delta 3; plus strand). Cytogenetic location: 3p14.3.
Variant type: single nucleotide variant.
Coding change: c.1442T>A on transcript NM_018398.3 (MANE Select); coding-DNA position 1442, T replaced by A.
Protein change: p.Met481Lys; replaces methionine 481 with lysine.
Molecular consequence: missense variant.
Genome position (GRCh38, 1-based): chr3:54,837,202, T>A. VCF-style: chr3-54837202-T-A. GRCh37 (hg19) VCF-style: chr3-54871229-T-A.
Other names: short protein forms M481K.
Identifiers: ClinVar variation 2630323 (VCV002630323.1), dbSNP rs2470890973, ClinGen allele CA353387805.